The following is an entry in ClinVar:

NM_005751.5(AKAP9):c.11317A>G (p.Ile3773Val)

Gene: AKAP9 (A-kinase anchoring protein 9; plus strand). Cytogenetic location: 7q21.2.
Variant type: single nucleotide variant.
Coding change: c.11317A>G on transcript NM_005751.5 (MANE Select); coding-DNA position 11317, A replaced by G.
Protein change: p.Ile3773Val; replaces isoleucine 3773 with valine.
Molecular consequence: missense variant.
Genome position (GRCh38, 1-based): chr7:92,102,813, A>G. VCF-style: chr7-92102813-A-G. GRCh37 (hg19) VCF-style: chr7-91732127-A-G.
Other names: c.5962A>G, p.Ile1988Val (NM_001379277.1); c.11293A>G, p.Ile3765Val (NM_147185.3); short protein forms I3773V, I3765V, I1988V.
Identifiers: ClinVar variation 847718 (VCV000847718.12), dbSNP rs746874048, ClinGen allele CA4338148.

ClinVar aggregate classification (germline): Uncertain significance. Review status: criteria provided, multiple submitters, no conflicts (2 of 4 stars). 2 submissions from 2 submitters: Uncertain significance (2). Last evaluated 2025-08-06.

Conditions:
Cardiovascular phenotype. Identifiers: MedGen CN230736.
Long QT syndrome (LQTS). Identifiers: MedGen C0023976, MeSH D008133, MONDO:0002442. Disease mechanism: loss of function. Inheritance: Various modes of inheritance.

Allele frequency attached by ClinVar (database versions not stated): ExAC 0.00001; gnomAD 0.00001; gnomAD exomes 0.00001 and 0.00004; TOPMed 0.00001.
gnomAD v4.1: 61 of 1,613,986 alleles (0.0038%); highest among the groups gnomAD compares: Non-Finnish European, 0.005%; no homozygotes.

Submissions (2):

Ambry Genetics
Classification: Uncertain significance for Cardiovascular phenotype. Last evaluated: 2025-08-06. Review status: criteria provided, single submitter. Criteria: Ambry Variant Classification Scheme 2023. Collection method: clinical testing. Allele origin: germline.

Labcorp Genetics (formerly Invitae), Labcorp
Classification: Uncertain significance for Long QT syndrome. Last evaluated: 2025-05-18. Review status: criteria provided, single submitter. Criteria: Invitae Variant Classification Sherloc (09022015). Collection method: clinical testing. Allele origin: germline.
Comment: This sequence change replaces isoleucine, which is neutral and non-polar, with valine, which is neutral and non-polar, at codon 3773 of the AKAP9 protein (p.Ile3773Val). This variant is present in population databases (rs746874048, gnomAD 0.002%). This variant has not been reported in the literature in individuals affected with AKAP9-related conditions. ClinVar contains an entry for this variant (Variation ID: 847718). An algorithm developed to predict the effect of missense changes on protein structure and function (PolyPhen-2) suggests that this variant is likely to be tolerated. In summary, the available evidence is currently insufficient to determine the role of this variant in disease. Therefore, it has been classified as a Variant of Uncertain Significance.